The following is an entry in ClinVar:

ClinVar aggregate classification (germline): Uncertain significance (1 of 4 stars; one submission).

Submission:

Labcorp Genetics (formerly Invitae), Labcorp
Classification: Uncertain significance. Last evaluated: 2022-11-22. Review status: criteria provided, single submitter. Criteria: Invitae Variant Classification Sherloc (09022015). Collection method: clinical testing. Allele origin: germline.
Comment: This variant has not been reported in the literature in individuals affected with ABCA4-related conditions. In summary, the available evidence is currently insufficient to determine the role of this variant in disease. Therefore, it has been classified as a Variant of Uncertain Significance. Advanced modeling of protein sequence and biophysical properties (such as structural, functional, and spatial information, amino acid conservation, physicochemical variation, residue mobility, and thermodynamic stability) performed at Invitae indicates that this missense variant is expected to disrupt ABCA4 protein function. This variant is not present in population databases (gnomAD no frequency). This sequence change replaces tyrosine, which is neutral and polar, with histidine, which is basic and polar, at codon 769 of the ABCA4 protein (p.Tyr769His).

NM_000350.3(ABCA4):c.2305T>C (p.Tyr769His)

Gene: ABCA4 (ATP binding cassette subfamily A member 4; minus strand). Cytogenetic location: 1p22.1.
Variant type: single nucleotide variant.
Coding change: c.2305T>C on transcript NM_000350.3 (MANE Select); coding-DNA position 2305, T replaced by C.
Protein change: p.Tyr769His; replaces tyrosine 769 with histidine.
Molecular consequence: missense variant.
Genome position (GRCh38, 1-based): chr1:94,056,678, A>G on the plus strand (T>C on the coding strand, the complement: ABCA4 is on the minus strand). VCF-style: chr1-94056678-A-G. GRCh37 (hg19) VCF-style: chr1-94522234-A-G.
Other names: short protein forms Y769H.
Identifiers: ClinVar variation 1713390 (VCV001713390.5), dbSNP rs2523821897, ClinGen allele CA341277812.
Genomic context (GRCh38, chr1:94,056,678, plus strand): 5'-CAGCGGTCATGCGGTCCTGCCAGGCGAAGCACAGGATGTGTGGCAGGTAGAGGGTGAAAT[A>G]GATGACACCACTACAGGCTGCTGCCAGACTGGCCTTGGAGAAGAAGGTGCTGAGCAGAAA-3'
Protein context (NP_000341.2, residues 759-779): SLAAACSGVI[Tyr769His]FTLYLPHILC